The following is an entry in ClinVar:

NM_004991.4(MECOM):c.1579C>T (p.Pro527Ser)

Gene: MECOM (MDS1 and EVI1 complex locus; minus strand). Cytogenetic location: 3q26.2.
Variant type: single nucleotide variant.
Coding change: c.1579C>T on transcript NM_004991.4 (MANE Select); coding-DNA position 1579, C replaced by T.
Protein change: p.Pro527Ser; replaces proline 527 with serine.
Molecular consequence: missense variant. On other transcripts: intron variant (2).
Genome position (GRCh38, 1-based): chr3:169,116,293, G>A on the plus strand (C>T on the coding strand, the complement: MECOM is on the minus strand). VCF-style: chr3-169116293-G-A. GRCh37 (hg19) VCF-style: chr3-168834081-G-A.
Other names: c.1210C>T, p.Pro404Ser (NM_001105077.4); c.1015C>T, p.Pro339Ser (NM_001105078.4, NM_001164000.2, NM_001205194.2 and 4 more transcripts); c.1018C>T, p.Pro340Ser (NM_001163999.2, NM_001366467.2, NM_001366468.2 and 1 more transcripts); c.1579C>T, p.Pro527Ser (NM_001366466.2); c.1133-526C>T (NM_001366473.2); c.569-526C>T (NM_001366474.2); short protein forms P527S, P340S, P339S, P404S.
Identifiers: ClinVar variation 3871750 (VCV003871750.1).

ClinVar aggregate classification (germline): Uncertain significance (1 of 4 stars; one submission).

Conditions:
Inborn genetic diseases. Identifiers: MedGen C0950123, MeSH D030342.

gnomAD v4.1: 4 of 1,614,146 alleles (0.00025%); highest among the groups gnomAD compares: Non-Finnish European, 0.00034%; no homozygotes.

Submission:

Ambry Genetics
Classification: Uncertain significance for Inborn genetic diseases. Last evaluated: 2025-01-27. Review status: criteria provided, single submitter. Criteria: Ambry Variant Classification Scheme 2023. Collection method: clinical testing. Allele origin: germline.
Comment: The p.P527S variant (also known as c.1579C>T), located in coding exon 8 of the MECOM gene, results from a C to T substitution at nucleotide position 1579. The proline at codon 527 is replaced by serine, an amino acid with similar properties. This amino acid position is conserved. In addition, this alteration is predicted to be tolerated by in silico analysis. Based on the available evidence, the clinical significance of this variant remains unclear.